The following is an entry in ClinVar:

ClinVar aggregate classification (germline): Conflicting classifications of pathogenicity. Review status: criteria provided, conflicting classifications (1 of 4 stars). 3 submissions from 3 submitters: Uncertain significance (2); Likely benign (1). Last evaluated 2025-11-02.

Conditions:
Inborn genetic diseases. Identifiers: MedGen C0950123, MeSH D030342.

Allele frequency attached by ClinVar (database versions not stated): TOPMed 0.00001; ExAC 0.00002; gnomAD 0.00002; gnomAD exomes 0.00002 and 0.00004; 1000 Genomes Project 30x 0.00016; 1000 Genomes Project 0.00020.
gnomAD v4.1: 34 of 1,613,014 alleles (0.0021%); highest among the groups gnomAD compares: Middle Eastern, 0.033%; no homozygotes.

Submissions (3):

Labcorp Genetics (formerly Invitae), Labcorp
Classification: Uncertain significance. Last evaluated: 2025-11-02. Review status: criteria provided, single submitter. Criteria: Invitae Variant Classification Sherloc (09022015). Collection method: clinical testing. Allele origin: germline.
Comment: This sequence change replaces glycine, which is neutral and non-polar, with serine, which is neutral and polar, at codon 1108 of the ARHGEF18 protein (p.Gly1108Ser). This variant is present in population databases (rs567452162, gnomAD 0.03%). This variant has not been reported in the literature in individuals affected with ARHGEF18-related conditions. ClinVar contains an entry for this variant (Variation ID: 844770). An algorithm developed to predict the effect of missense changes on protein structure and function outputs the following: PolyPhen-2: "Benign". The serine amino acid residue is found in multiple mammalian species, which suggests that this missense change does not adversely affect protein function. In summary, the available evidence is currently insufficient to determine the role of this variant in disease. Therefore, it has been classified as a Variant of Uncertain Significance.

Ambry Genetics
Classification: Likely benign for Inborn genetic diseases. Last evaluated: 2022-10-03. Review status: criteria provided, single submitter. Criteria: Ambry Variant Classification Scheme 2023. Collection method: clinical testing. Allele origin: germline.

Blueprint Genetics
Classification: Uncertain significance. Last evaluated: 2022-03-16. Review status: criteria provided, single submitter. Criteria: ACMG Guidelines, 2015. Collection method: clinical testing. Allele origin: germline.

NM_001367823.1(ARHGEF18):c.3886G>A (p.Gly1296Ser)

Gene: ARHGEF18 (Rho/Rac guanine nucleotide exchange factor 18; plus strand). Cytogenetic location: 19p13.2.
Variant type: single nucleotide variant.
Coding change: c.3886G>A on transcript NM_001367823.1 (MANE Select); coding-DNA position 3886, G replaced by A.
Protein change: p.Gly1296Ser; replaces glycine 1296 with serine.
Molecular consequence: missense variant.
Genome position (GRCh38, 1-based): chr19:7,470,002, G>A. VCF-style: chr19-7470002-G-A. GRCh37 (hg19) VCF-style: chr19-7534888-G-A.
Other names: c.3160G>A, p.Gly1054Ser (NM_001130955.2); c.2848G>A, p.Gly950Ser (NM_001367824.1, NM_015318.4); short protein forms G1054S, G950S, G1296S.
Identifiers: ClinVar variation 844770 (VCV000844770.8), dbSNP rs567452162, ClinGen allele CA9137276.
Genomic context (GRCh38, chr19:7,470,002, plus strand): 5'-CTCATGGGGAAAGATGAGAGCACCTCACGGAACCGCCGCTCGCTGAGCCCTATCCTGCCC[G>A]GCAGACACAGTCCTGCGCCCCCACCAGGTGAGCCCCCACCCCCTGACATGAGCCCAGTCC-3'
Protein context (NP_001354752.1, residues 1286-1306): NRRSLSPILP[Gly1296Ser]RHSPAPPPDP